The following is an entry in ClinVar:

NM_001298.3(CNGA3):c.1114C>T (p.Pro372Ser)

Gene: CNGA3 (cyclic nucleotide gated channel subunit alpha 3; plus strand). Cytogenetic location: 2q11.2.
Variant type: single nucleotide variant.
Coding change: c.1114C>T on transcript NM_001298.3 (MANE Select); coding-DNA position 1114, C replaced by T.
Protein change: p.Pro372Ser; replaces proline 372 with serine.
Molecular consequence: missense variant.
Genome position (GRCh38, 1-based): chr2:98,396,284, C>T. VCF-style: chr2-98396284-C-T. GRCh37 (hg19) VCF-style: chr2-99012747-C-T.
Other names: c.1060C>T, p.Pro354Ser (NM_001079878.2); short protein forms P372S, P354S.
Identifiers: ClinVar variation 812281 (VCV000812281.19), dbSNP rs1464167194, ClinGen allele CA347832856.

ClinVar aggregate classification (germline): Pathogenic. Review status: criteria provided, multiple submitters, no conflicts (2 of 4 stars). 10 submissions from 10 submitters: Pathogenic (8). 2 of the submissions do not count toward it. Last evaluated 2026-02-17.

Conditions:
CNGA3-related disorders.
Achromatopsia. Also called: Rod monochromatism. Identifiers: Orphanet 49382, MedGen C0152200, MONDO:0018852, HP:0011516.
Achromatopsia 2 (ACHM2). Also called: COLORBLINDNESS, TOTAL; ROD MONOCHROMACY 2; ROD MONOCHROMATISM 2. Identifiers: Orphanet 49382, MedGen C1857618, MONDO:0009003, OMIM 216900.
CNGA3-related disorder. Also called: CNGA3-related condition.
Retinal disorder. Also called: Retinal disorders; Retinopathy; Retinopathies; Retinal Diseases. Identifiers: MedGen C0035309, MONDO:0005283, HP:0000488.

Allele frequency attached by ClinVar (database versions not stated): gnomAD exomes 0.00001; TOPMed 0.00001.
gnomAD v4.1: 11 of 1,610,996 alleles (0.00068%); highest among the groups gnomAD compares: Admixed American, 0.0033%; no homozygotes.

Submissions (10):

PreventionGenetics, part of Exact Sciences
Classification: Pathogenic for CNGA3-related condition. Last evaluated: 2026-02-17. Review status: criteria provided, single submitter. Criteria: ACMG Guidelines, 2015. Collection method: clinical testing. Allele origin: germline.
Comment: The CNGA3 c.1114C>T variant is predicted to result in the amino acid substitution p.Pro372Ser. This variant has been reported many times in individuals with achromatopsia (see for examples: Wissinger et al. 2001. PubMed ID: 11536077; Table S1, Stone et al. 2017. PubMed ID: 28559085; Table S2, Sharon et al. 2019. PubMed ID: 31456290; Khan et al. 2020. PubMed ID: 31725702). Functional studies using protein expression in cell culture have found that the p.Pro372Ser substitution reduces cell surface expression and protein activity (Koeppen et al. 2010. PubMed ID: 20506298; Muraki-Oda et al. 2007. PubMed ID: 17693388). This variant is present in 0.0029% of alleles in individuals of Latino descent in gnomAD. Given the evidence, we interpret this variant as pathogenic.

Labcorp Genetics (formerly Invitae), Labcorp
Classification: Pathogenic. Last evaluated: 2025-11-18. Review status: criteria provided, single submitter. Criteria: Invitae Variant Classification Sherloc (09022015). Collection method: clinical testing. Allele origin: germline.
Comment: This sequence change replaces proline, which is neutral and non-polar, with serine, which is neutral and polar, at codon 372 of the CNGA3 protein (p.Pro372Ser). This variant is present in population databases (no rsID available, gnomAD 0.003%). This missense change has been observed in individual(s) with achromatopsia (PMID: 11536077, 20506298, 28559085, 29053603). In at least one individual the data is consistent with being in trans (on the opposite chromosome) from a pathogenic variant. It has also been observed to segregate with disease in related individuals. This variant is also known as c.1060C>T (p.P354S). ClinVar contains an entry for this variant (Variation ID: 812281). Invitae Evidence Modeling of protein sequence and biophysical properties (such as structural, functional, and spatial information, amino acid conservation, physicochemical variation, residue mobility, and thermodynamic stability) indicates that this missense variant is expected to disrupt CNGA3 protein function with a positive predictive value of 95%. Experimental studies have shown that this missense change affects CNGA3 function (PMID: 17693388, 20506298). For these reasons, this variant has been classified as Pathogenic.

Equipe Genetique des Anomalies du Developpement, Université de Bourgogne
Classification: Pathogenic for Achromatopsia 2. Last evaluated: 2025-08-18. Review status: criteria provided, single submitter. Criteria: ACMG Guidelines, 2015. Collection method: clinical testing. Allele origin: paternal. Affected: yes.
Comment: It is absent from the gnomAD v4.1.0 database in the homozygous state. In silico prediction tools support a deleterious effect. The affected amino acid is conserved and located within the ion-trans domain of the protein. This variant is reported as pathogenic in the ClinVar database and in LOVD. It has been previously described in the literature in individuals with achromatopsia, either in the homozygous state or in trans with other pathogenic variants (PMID: 11536077, 28559085, 17265047, 32531858, 31964843). Biallelic pathogenic variants in CNGA3 are associated with achromatopsia type 2 (OMIM #216900), an autosomal recessive disorder. According to current evidence, this variant is classified as pathogenic (Class 5, ACMG criteria).

Women's Health and Genetics/Laboratory Corporation of America, LabCorp
Classification: Pathogenic for Achromatopsia 2. Last evaluated: 2025-01-24. Review status: criteria provided, single submitter. Criteria: LabCorp Variant Classification Summary - May 2015. Collection method: clinical testing. Allele origin: germline.
Comment: Variant summary: CNGA3 c.1114C>T (p.Pro372Ser) results in a non-conservative amino acid change located in the Ion transport protein domain (IPR005821) of the encoded protein sequence. Five of five in-silico tools predict a damaging effect of the variant on protein function. The variant allele was found at a frequency of 8e-06 in 250464 control chromosomes. c.1114C>T has been reported in the literature in multiple individuals homozygous or compound heterozygous individuals affected with Achromatopsia (e.g. Koeppen_2010). These data indicate that the variant is very likely to be associated with disease. At least one publication reports experimental evidence evaluating an impact on protein function showing impairments in surface expression and calcium signaling ability in vitro (e.g. Koeppen_2010). The following publication has been ascertained in the context of this evaluation (PMID: 20506298).ClinVar contains an entry for this variant (Variation ID: 812281). Based on the evidence outlined above, the variant was classified as pathogenic.

Dubai Health Genomic Medicine Center, Dubai Health
Classification: Pathogenic for Achromatopsia 2. Last evaluated: 2024-10-04. Review status: criteria provided, single submitter. Criteria: ACMG Guidelines, 2015. Collection method: research. Allele origin: germline. Affected: yes.
Comment: PS3,PP1,PM1,PM2,PM3-moderate,PP3

GeneDx
Classification: Pathogenic. Last evaluated: 2024-08-30. Review status: criteria provided, single submitter. Criteria: GeneDx Variant Classification Process June 2021. Collection method: clinical testing. Allele origin: germline. Affected: yes.
Comment: Identified with a second variant in several patients with achromatopsia, but it is not known whether the variants occurred on the same (in cis) or on different (in trans) chromosomes (PMID: 30682209, 28559085); Published functional studies demonstrate a damaging effect [impaired surface expression and no cGMP-activated current upon patch-clamp recordings] (PMID: 20506298, 17693388); Not observed at significant frequency in large population cohorts (gnomAD); In silico analysis supports that this missense variant has a deleterious effect on protein structure/function; This variant is associated with the following publications: (PMID: 33562422, 31964843, 36460718, 17693388, 11536077, 20506298, 28559085, 30682209, 29053603, 31725702, 31456290)

Blueprint Genetics
Classification: Pathogenic for CNGA3-related disorders. Last evaluated: 2022-03-01. Review status: criteria provided, single submitter. Criteria: ACMG Guidelines, 2015. Collection method: clinical testing. Allele origin: germline. Affected: yes. Observed: 2 variant alleles.

AURAGEN, Plan France Médecine Génomique
Classification: Pathogenic for Retinal disorder. Last evaluated: 2022-02-14. Review status: criteria provided, single submitter. Criteria: PFMG2025 (Lancet Reg Health Eur. 2025). Collection method: clinical testing. Allele origin: germline. Affected: yes.

Sharon lab, Hadassah-Hebrew University Medical Center
Classification: Pathogenic for achromatopsia. Last evaluated: 2019-06-23. Review status: no assertion criteria provided. Collection method: research. Allele origin: inherited. Affected: yes. Not counted in ClinVar's aggregate classification.

Laboratory of Genetics in Ophthalmology, Institut Imagine
Classification: Likely pathogenic for Achromatopsia 2. Review status: no assertion criteria provided. Collection method: research. Allele origin: inherited. Affected: yes. Observed: 1 variant allele. Not counted in ClinVar's aggregate classification.

Literature cited by the submitters: PubMed 11536077 (cited by Labcorp Genetics (formerly Invitae), Labcorp and Equipe Genetique des Anomalies du Developpement, Université de Bourgogne); PubMed 20506298 (cited by Labcorp Genetics (formerly Invitae), Labcorp and Women's Health and Genetics/Laboratory Corporation of America, LabCorp); PubMed 28559085 (cited by Labcorp Genetics (formerly Invitae), Labcorp and Equipe Genetique des Anomalies du Developpement, Université de Bourgogne); PubMed 29053603 (cited by Labcorp Genetics (formerly Invitae), Labcorp); PubMed 17693388 (cited by Labcorp Genetics (formerly Invitae), Labcorp); PubMed 17265047 (cited by Equipe Genetique des Anomalies du Developpement, Université de Bourgogne); PubMed 32531858 (cited by Equipe Genetique des Anomalies du Developpement, Université de Bourgogne); PubMed 31964843 (cited by Equipe Genetique des Anomalies du Developpement, Université de Bourgogne).